The following is an entry in ClinVar:

ClinVar aggregate classification (germline): Uncertain significance (1 of 4 stars; one submission).

Allele frequency attached by ClinVar (database versions not stated): gnomAD exomes 0.00001 and 0.00003; ExAC 0.00002; gnomAD 0.00002.

Submission:

Labcorp Genetics (formerly Invitae), Labcorp
Classification: Uncertain significance. Last evaluated: 2021-12-02. Review status: criteria provided, single submitter. Criteria: Invitae Variant Classification Sherloc (09022015). Collection method: clinical testing. Allele origin: germline.
Comment: This sequence change replaces asparagine with serine at codon 275 of the LHX3 protein (p.Asn275Ser). The asparagine residue is highly conserved and there is a small physicochemical difference between asparagine and serine. This variant is present in population databases (rs747223129, gnomAD 0.003%). This variant has not been reported in the literature in individuals affected with LHX3-related conditions. Algorithms developed to predict the effect of missense changes on protein structure and function output the following: SIFT: "Not Available"; PolyPhen-2: "Benign"; Align-GVGD: "Not Available". The serine amino acid residue is found in multiple mammalian species, which suggests that this missense change does not adversely affect protein function. In summary, the available evidence is currently insufficient to determine the role of this variant in disease. Therefore, it has been classified as a Variant of Uncertain Significance.

NM_178138.6(LHX3):c.809A>G (p.Asn270Ser)

Gene: LHX3 (LIM homeobox 3; minus strand). Cytogenetic location: 9q34.3.
Variant type: single nucleotide variant.
Coding change: c.809A>G on transcript NM_178138.6 (MANE Select); coding-DNA position 809, A replaced by G.
Protein change: p.Asn270Ser; replaces asparagine 270 with serine.
Molecular consequence: missense variant.
Genome position (GRCh38, 1-based): chr9:136,197,710, T>C on the plus strand (A>G on the coding strand, the complement: LHX3 is on the minus strand). VCF-style: chr9-136197710-T-C. GRCh37 (hg19) VCF-style: chr9-139089556-T-C.
Other names: c.776A>G, p.Asn259Ser (NM_001363746.1); c.824A>G, p.Asn275Ser (NM_014564.5); short protein forms N259S, N275S, N270S.
Identifiers: ClinVar variation 1350909 (VCV001350909.3), dbSNP rs747223129, ClinGen allele CA5330326.